The following is an entry in ClinVar:

NM_003072.5(SMARCA4):c.1836G>A (p.Met612Ile)

Gene: SMARCA4 (SWI/SNF related BAF chromatin remodeling complex subunit ATPase 4; plus strand). Cytogenetic location: 19p13.2.
Variant type: single nucleotide variant.
Coding change: c.1836G>A on transcript NM_003072.5 (MANE Select); coding-DNA position 1836, G replaced by A.
Protein change: p.Met612Ile; replaces methionine 612 with isoleucine.
Molecular consequence: missense variant. On other transcripts: non-coding transcript variant (1).
Genome position (GRCh38, 1-based): chr19:11,003,052, G>A. VCF-style: chr19-11003052-G-A. GRCh37 (hg19) VCF-style: chr19-11113728-G-A.
Other names: c.1836G>A, p.Met612Ile (NM_001128844.3, NM_001128845.2, NM_001128846.2 and 4 more transcripts); short protein forms M612I.
Identifiers: ClinVar variation 820150 (VCV000820150.16), dbSNP rs1600132619, ClinGen allele CA404051435.

ClinVar aggregate classification (germline): Uncertain significance. Review status: criteria provided, multiple submitters, no conflicts (2 of 4 stars). 3 submissions from 3 submitters: Uncertain significance (3). Last evaluated 2024-04-01.

Conditions:
Intellectual disability, autosomal dominant 16 (CSS4). Also called: COFFIN-SIRIS SYNDROME 4. Identifiers: Orphanet 1465, MedGen C3553249, MONDO:0013821, OMIM 614609.
Rhabdoid tumor predisposition syndrome 2 (RTPS2). Identifiers: Orphanet 231108, Orphanet 69077, MedGen C2750074, MONDO:0013224, OMIM 613325.
Hereditary cancer-predisposing syndrome. Also called: Neoplastic Syndromes, Hereditary; Tumor predisposition; Hereditary Cancer Syndrome; Hereditary neoplastic syndrome. Identifiers: Orphanet 140162, MedGen C0027672, MeSH D009386, MONDO:0015356.

Submissions (3):

Labcorp Genetics (formerly Invitae), Labcorp
Classification: Uncertain significance for Rhabdoid tumor predisposition syndrome 2. Last evaluated: 2024-04-01. Review status: criteria provided, single submitter. Criteria: Invitae Variant Classification Sherloc (09022015). Collection method: clinical testing. Allele origin: germline.
Comment: This sequence change replaces methionine, which is neutral and non-polar, with isoleucine, which is neutral and non-polar, at codon 612 of the SMARCA4 protein (p.Met612Ile). This variant is not present in population databases (gnomAD no frequency). This variant has not been reported in the literature in individuals affected with SMARCA4-related conditions. ClinVar contains an entry for this variant (Variation ID: 820150). Advanced modeling of protein sequence and biophysical properties (such as structural, functional, and spatial information, amino acid conservation, physicochemical variation, residue mobility, and thermodynamic stability) performed at Invitae indicates that this missense variant is not expected to disrupt SMARCA4 protein function with a negative predictive value of 95%. In summary, the available evidence is currently insufficient to determine the role of this variant in disease. Therefore, it has been classified as a Variant of Uncertain Significance.

Ambry Genetics
Classification: Uncertain significance for Hereditary cancer-predisposing syndrome. Last evaluated: 2021-11-24. Review status: criteria provided, single submitter. Criteria: Ambry Variant Classification Scheme 2023. Collection method: clinical testing. Allele origin: germline.
Comment: The p.M612I variant (also known as c.1836G>A), located in coding exon 11 of the SMARCA4 gene, results from a G to A substitution at nucleotide position 1836. The methionine at codon 612 is replaced by isoleucine, an amino acid with highly similar properties. This amino acid position is highly conserved in available vertebrate species. In addition, the in silico prediction for this alteration is inconclusive. Missense and in-frame variants in SMARCA4 are known to cause neurodevelopmental disorders; however, such associations with rhabdoid tumor predisposition syndrome including small cell carcinoma of the ovary-hypercalcemic type (SCCOHT) are exceedingly rare (Kosho T et al. Am J Med Genet C Semin Med Genet. 2014 Sep;166C(3):262-75; Jelinic P et al. Nat Genet. 2014 May;46(5):424-6). Based on the supporting evidence, the association of this alteration with Coffin-Siris syndrome is unknown; however, the association of this alteration with rhabdoid tumor predisposition syndrome is unlikely.

Genome-Nilou Lab
Classification: Uncertain significance for Intellectual disability, autosomal dominant 16. Last evaluated: 2021-07-15. Review status: criteria provided, single submitter. Criteria: ACMG Guidelines, 2015. Collection method: clinical testing. Allele origin: germline. Affected: no.